The following is an entry in ClinVar:

NM_152703.5(SAMD9L):c.2179G>C (p.Glu727Gln)

Gene: SAMD9L (sterile alpha motif domain containing 9 like; minus strand). Cytogenetic location: 7q21.2.
Variant type: single nucleotide variant.
Coding change: c.2179G>C on transcript NM_152703.5 (MANE Select); coding-DNA position 2179, G replaced by C.
Protein change: p.Glu727Gln; replaces glutamic acid 727 with glutamine.
Molecular consequence: missense variant.
Genome position (GRCh38, 1-based): chr7:93,133,793, C>G on the plus strand (G>C on the coding strand, the complement: SAMD9L is on the minus strand). VCF-style: chr7-93133793-C-G. GRCh37 (hg19) VCF-style: chr7-92763106-C-G.
Other names: c.2179G>C, p.Glu727Gln (NM_001303496.3, NM_001303497.3, NM_001303498.3 and 5 more transcripts); short protein forms E727Q.
Identifiers: ClinVar variation 4864035 (VCV004864035.1).
Genomic context (GRCh38, chr7:93,133,793, plus strand): 5'-CTCCACAGCCTGGATGATGATAAAGATTGATGATTTTTGCAAATATTGGTTTAGGAGACT[C>G]TGCCCAGCAGTGTATTAAATCTTTAAGCTTTTCATAACTGTCCCTTTTAACAAAATCTGA-3'
Protein context (NP_689916.2, residues 717-737): KLKDLIHCWA[Glu727Gln]SPKPIFAKII

ClinVar aggregate classification (germline): Uncertain significance (1 of 4 stars; one submission).

Conditions:
Inborn genetic diseases. Identifiers: MedGen C0950123, MeSH D030342.

Submission:

Ambry Genetics
Classification: Uncertain significance for Inborn genetic diseases. Last evaluated: 2026-06-13. Review status: criteria provided, single submitter. Criteria: Ambry Variant Classification Scheme 2023. Collection method: clinical testing. Allele origin: germline.
Comment: The p.E727Q variant (also known as c.2179G>C), located in coding exon 1 of the SAMD9L gene, results from a G to C substitution at nucleotide position 2179. The glutamic acid at codon 727 is replaced by glutamine, an amino acid with highly similar properties. This amino acid position is conserved. In addition, this alteration is predicted to be tolerated by in silico analysis. Based on the available evidence, the clinical significance of this variant remains unclear.